The following is an entry in ClinVar:

NM_000358.3(TGFBI):c.1226G>A (p.Arg409Gln)

Genes: TGFBI (transforming growth factor beta induced; plus strand), LOC126807519 (P300/CBP strongly-dependent group 1 enhancer GRCh37_chr5:135388921-135390120; plus strand). Cytogenetic location: 5q31.1.
Variant type: single nucleotide variant.
Coding change: c.1226G>A on transcript NM_000358.3 (MANE Select); coding-DNA position 1226, G replaced by A.
Protein change: p.Arg409Gln; replaces arginine 409 with glutamine.
Molecular consequence: missense variant.
Genome position (GRCh38, 1-based): chr5:136,054,042, G>A. VCF-style: chr5-136054042-G-A. GRCh37 (hg19) VCF-style: chr5-135389731-G-A.
Other names: short protein forms R409Q.
Identifiers: ClinVar variation 3718435 (VCV003718435.2).
Genomic context (GRCh38, chr5:136,054,042, plus strand): 5'-CCACAGCCATTGACCTTTTCAGACAAGCCGGCCTCGGCAATCATCTCTCTGGAAGTGAGC[G>A]GTTGACCCTCCTGGCTCCCCTGAATTCTGTATTCAAAGGTAACATGGGGAAGGCATCCCT-3'
Protein context (NP_000349.1, residues 399-419): GLGNHLSGSE[Arg409Gln]LTLLAPLNSV

ClinVar aggregate classification (germline): Uncertain significance (1 of 4 stars; one submission).

gnomAD v4.1: 60 of 1,613,816 alleles (0.0037%); highest among the groups gnomAD compares: Non-Finnish European, 0.0047%; no homozygotes.

Submission:

Labcorp Genetics (formerly Invitae), Labcorp
Classification: Uncertain significance. Last evaluated: 2024-03-25. Review status: criteria provided, single submitter. Criteria: Invitae Variant Classification Sherloc (09022015). Collection method: clinical testing. Allele origin: germline.
Comment: This sequence change replaces arginine, which is basic and polar, with glutamine, which is neutral and polar, at codon 409 of the TGFBI protein (p.Arg409Gln). This variant is present in population databases (rs770539339, gnomAD 0.008%). This variant has not been reported in the literature in individuals affected with TGFBI-related conditions. Advanced modeling of protein sequence and biophysical properties (such as structural, functional, and spatial information, amino acid conservation, physicochemical variation, residue mobility, and thermodynamic stability) performed at Invitae indicates that this missense variant is not expected to disrupt TGFBI protein function with a negative predictive value of 80%. In summary, the available evidence is currently insufficient to determine the role of this variant in disease. Therefore, it has been classified as a Variant of Uncertain Significance.